The following is an entry in ClinVar:

NM_001379286.1(ZNF423):c.376A>G (p.Met126Val)

Gene: ZNF423 (zinc finger protein 423; minus strand). Cytogenetic location: 16q12.1.
Variant type: single nucleotide variant.
Coding change: c.376A>G on transcript NM_001379286.1 (MANE Select); coding-DNA position 376, A replaced by G.
Protein change: p.Met126Val; replaces methionine 126 with valine.
Molecular consequence: missense variant. On other transcripts: initiator codon variant (1).
Genome position (GRCh38, 1-based): chr16:49,638,800, T>C on the plus strand (A>G on the coding strand, the complement: ZNF423 is on the minus strand). VCF-style: chr16-49638800-T-C. GRCh37 (hg19) VCF-style: chr16-49672711-T-C.
Other names: c.172A>G, p.Met58Val (NM_001271620.2); c.1A>G, p.Met1Val (NM_001330533.2); c.352A>G, p.Met118Val (NM_015069.5); c.352A>G (NM_015069.4, NM_015069.2); c.1A>G (NM_001330533.1); short protein forms M58V, M118V, M1V, M126V.
Identifiers: ClinVar variation 838330 (VCV000838330.16), dbSNP rs150427822, ClinGen allele CA8046883.

ClinVar aggregate classification (germline): Uncertain significance. Review status: criteria provided, multiple submitters, no conflicts (2 of 4 stars). 5 submissions from 5 submitters: Uncertain significance (5). Last evaluated 2026-02-27.

Conditions:
Nephronophthisis 14 (NPHP14). Identifiers: Orphanet 2318, MedGen C3539071, MONDO:0013916, OMIM 614844.
ZNF423-related disorder. Also called: ZNF423-related condition.

Allele frequency attached by ClinVar (database versions not stated): ExAC 0.00003; TOPMed 0.00008.

Submissions (5):

PreventionGenetics, part of Exact Sciences
Classification: Uncertain significance for ZNF423-related condition. Last evaluated: 2026-02-27. Review status: criteria provided, single submitter. Criteria: ACMG Guidelines, 2015. Collection method: clinical testing. Allele origin: germline.
Comment: The ZNF423 c.1A>G variant is predicted to disrupt the translation initiation site (Start loss). In an alternate transcript (NM_015069.4), this variant is known as c.352A>G (p.Met118Val). To our knowledge, this variant has not been reported in the literature. This variant is reported in 0.0085% of alleles in individuals of European (Non-Finnish) descent in gnomAD. At this time, the clinical significance of this variant is uncertain due to the absence of conclusive functional and genetic evidence.

Ambry Genetics
Classification: Uncertain significance. Last evaluated: 2025-02-18. Review status: criteria provided, single submitter. Criteria: Ambry Variant Classification Scheme 2023. Collection method: clinical testing. Allele origin: germline.

Labcorp Genetics (formerly Invitae), Labcorp
Classification: Uncertain significance for Nephronophthisis 14. Last evaluated: 2025-02-02. Review status: criteria provided, single submitter. Criteria: Invitae Variant Classification Sherloc (09022015). Collection method: clinical testing. Allele origin: germline.
Comment: This sequence change replaces methionine, which is neutral and non-polar, with valine, which is neutral and non-polar, at codon 118 of the ZNF423 protein (p.Met118Val). This variant is present in population databases (rs150427822, gnomAD 0.01%). This variant has not been reported in the literature in individuals affected with ZNF423-related conditions. ClinVar contains an entry for this variant (Variation ID: 838330). An algorithm developed to predict the effect of missense changes on protein structure and function (PolyPhen-2) suggests that this variant¬†is likely to be tolerated. In summary, the available evidence is currently insufficient to determine the role of this variant in disease. Therefore, it has been classified as a Variant of Uncertain Significance.

Revvity Omics, Revvity
Classification: Uncertain significance for Nephronophthisis 14. Last evaluated: 2022-08-01. Review status: criteria provided, single submitter. Criteria: ACMG Guidelines, 2015. Collection method: clinical testing. Allele origin: germline.

Clinical Genetics Laboratory, Skane University Hospital Lund
Classification: Uncertain significance. Last evaluated: 2022-05-27. Review status: criteria provided, single submitter. Criteria: ACMG Guidelines, 2015. Collection method: clinical testing. Allele origin: germline. Affected: yes.